The following is an entry in ClinVar:

NM_000038.6(APC):c.686T>A (p.Leu229His)

Gene: APC (APC regulator of Wnt signaling pathway; plus strand). Cytogenetic location: 5q22.2.
Variant type: single nucleotide variant.
Coding change: c.686T>A on transcript NM_000038.6 (MANE Select); coding-DNA position 686, T replaced by A.
Protein change: p.Leu229His; replaces leucine 229 with histidine.
Molecular consequence: missense variant. On other transcripts: 5 prime UTR variant (4), non-coding transcript variant (2), intron variant (5).
Genome position (GRCh38, 1-based): chr5:112,792,486, T>A. VCF-style: chr5-112792486-T-A. GRCh37 (hg19) VCF-style: chr5-112128183-T-A.
Other names: c.686T>A, p.Leu229His (NM_001127510.3, NM_001354895.2, NM_001354896.2 and 12 more transcripts); c.716T>A, p.Leu239His (NM_001354897.2, NM_001354902.2, NM_001407446.1); c.611T>A, p.Leu204His (NM_001354898.2, NM_001354904.2, NM_001407451.1); c.509T>A, p.Leu170His (NM_001354900.2, NM_001354901.2, NM_001354905.2 and 1 more transcripts); c.-350T>A (NM_001354906.2, NM_001407470.1, NM_001407471.1 and 1 more transcripts); c.646-8793T>A (NM_001407452.1, NM_001407469.1, NM_001354899.2 and 1 more transcripts); c.676-8793T>A (NM_001127511.3); short protein forms L204H, L229H, L239H, L170H.
Identifiers: ClinVar variation 3304439 (VCV003304439.1).

ClinVar aggregate classification (germline): Uncertain significance (1 of 4 stars; one submission).

Conditions:
Hereditary cancer-predisposing syndrome. Also called: Tumor predisposition; Hereditary Cancer Syndrome; Hereditary neoplastic syndrome; Neoplastic Syndromes, Hereditary. Identifiers: Orphanet 140162, MedGen C0027672, MeSH D009386, MONDO:0015356.

Submission:

Ambry Genetics
Classification: Uncertain significance for Hereditary cancer-predisposing syndrome. Last evaluated: 2024-04-18. Review status: criteria provided, single submitter. Criteria: Ambry Variant Classification Scheme 2023. Collection method: clinical testing. Allele origin: germline.
Comment: The p.L229H variant (also known as c.686T>A), located in coding exon 6 of the APC gene, results from a T to A substitution at nucleotide position 686. The leucine at codon 229 is replaced by histidine, an amino acid with similar properties. This amino acid position is highly conserved in available vertebrate species. In addition, in silico predictors for this gene do not accurately predict pathogenicity. Missense alterations in APC are not a common cause of disease (Spier I et al. Genet Med. 2024 Feb;26(2):100992). Based on the available evidence, the clinical significance of this variant remains unclear.